The following is an entry in ClinVar:

NM_001377299.1(NDUFS2):c.1366A>G (p.Ile456Val)

Gene: NDUFS2 (NADH:ubiquinone oxidoreductase core subunit S2; plus strand). Cytogenetic location: 1q23.3.
Variant type: single nucleotide variant.
Coding change: c.1366A>G on transcript NM_001377299.1 (MANE Select); coding-DNA position 1366, A replaced by G.
Protein change: p.Ile456Val; replaces isoleucine 456 with valine.
Molecular consequence: missense variant. On other transcripts: 3 prime UTR variant (4), non-coding transcript variant (1).
Genome position (GRCh38, 1-based): chr1:161,214,167, A>G. VCF-style: chr1-161214167-A-G. GRCh37 (hg19) VCF-style: chr1-161183957-A-G.
Other names: c.*226A>G (NM_001166159.2, NM_001377300.1, NM_001377301.1); c.1366A>G, p.Ile456Val (NM_001377298.1, NM_004550.5); c.*17A>G (NM_001377302.1); short protein forms I456V.
Identifiers: ClinVar variation 1434820 (VCV001434820.8), dbSNP rs1571626062, ClinGen allele CA343383390.

ClinVar aggregate classification (germline): Uncertain significance (1 of 4 stars; one submission).

Allele frequency attached by ClinVar (database versions not stated): gnomAD exomes below 0.00001.

Submission:

Labcorp Genetics (formerly Invitae), Labcorp
Classification: Uncertain significance. Last evaluated: 2023-08-30. Review status: criteria provided, single submitter. Criteria: Invitae Variant Classification Sherloc (09022015). Collection method: clinical testing. Allele origin: germline.
Comment: In summary, the available evidence is currently insufficient to determine the role of this variant in disease. Therefore, it has been classified as a Variant of Uncertain Significance. Advanced modeling of protein sequence and biophysical properties (such as structural, functional, and spatial information, amino acid conservation, physicochemical variation, residue mobility, and thermodynamic stability) performed at Invitae indicates that this missense variant is not expected to disrupt NDUFS2 protein function. ClinVar contains an entry for this variant (Variation ID: 1434820). This variant has not been reported in the literature in individuals affected with NDUFS2-related conditions. This variant is not present in population databases (gnomAD no frequency). This sequence change replaces isoleucine, which is neutral and non-polar, with valine, which is neutral and non-polar, at codon 456 of the NDUFS2 protein (p.Ile456Val).